The following is an entry in ClinVar:

ClinVar aggregate classification (germline): Uncertain significance (1 of 4 stars; one submission).

Conditions:
Inborn genetic diseases. Identifiers: MedGen C0950123, MeSH D030342.

Submissions (3):

Ambry Genetics
Classification: Uncertain significance for Inborn genetic diseases. Last evaluated: 2019-01-28. Review status: criteria provided, single submitter. Criteria: Ambry Variant Classification Scheme 2023. Collection method: clinical testing. Allele origin: germline.
Comment: The c.1369+2T>A intronic variant results from a T to A substitution two nucleotides after coding exon 9 in the ARHGEF9 gene. Alterations that disrupt the canonical splice site are expected to cause aberrant splicing, resulting in an abnormal protein or a transcript that is subject to nonsense-mediated mRNA decay. However, one of the predicted consequences is skipping of exon 9, leading to an in-frame deletion with unknown functional impact. This nucleotide position is highly conserved in available vertebrate species. Using the BDGP and ESEfinder splice site prediction tools, this alteration is predicted to abolish the native splice donor site; however, direct evidence is unavailable. Since supporting evidence is limited at this time, the clinical significance of this alteration remains unclear.

Dr. Peter K. Rogan Lab, Western University
No classification provided (evidence only). Condition: Nonpapillary renal cell carcinoma. Review status: no classification provided. Collection method: in vitro. Allele origin: not applicable. Functional consequence: retained intron. Not counted in ClinVar's aggregate classification.

Dr. Peter K. Rogan Lab, Western University
No classification provided (evidence only). Condition: Nonpapillary renal cell carcinoma. Review status: no classification provided. Collection method: in vitro. Allele origin: not applicable. Functional consequence: retained intron. Not counted in ClinVar's aggregate classification.

NM_001353921.2(ARHGEF9):c.1390+2T>A

Gene: ARHGEF9 (Cdc42 guanine nucleotide exchange factor 9; minus strand). Cytogenetic location: Xq11.1.
Variant type: single nucleotide variant.
Coding change: c.1390+2T>A on transcript NM_001353921.2 (MANE Select); the canonical splice donor site of the intron after coding-DNA position 1390, T replaced by A.
Molecular consequence: splice donor variant.
Genome position (GRCh38, 1-based): chrX:63,643,978, A>T on the plus strand (T>A on the coding strand, the complement: ARHGEF9 is on the minus strand). VCF-style: chrX-63643978-A-T. GRCh37 (hg19) VCF-style: chrX-62863858-A-T.
Other names: NC_000023.10:g.62863858A>T; c.1210+2T>A (NM_001173479.2); c.1258+2T>A (NM_001353922.2); c.*27+2T>A (NM_001369043.1, NM_001369044.1); c.1306+2T>A (NM_001330495.2, NM_001369038.1, NM_001369037.1 and 4 more transcripts); c.1408+2T>A (NM_001353923.1); c.1174+2T>A (NM_001369041.1, NM_001353927.2); c.1189+2T>A (NM_001369040.1, NM_001369039.1, NM_001353926.2 and 1 more transcripts); and 4 more.
Identifiers: ClinVar variation 1770982 (VCV001770982.3), dbSNP rs2519503316, ClinGen allele CA413402369.